The following is an entry in ClinVar:

NM_000152.5(GAA):c.1416C>T (p.Thr472=)

Gene: GAA (alpha glucosidase; plus strand). Cytogenetic location: 17q25.3.
Variant type: single nucleotide variant.
Coding change: c.1416C>T on transcript NM_000152.5 (MANE Select); coding-DNA position 1416, C replaced by T.
Protein change: p.Thr472=; no amino-acid change (threonine 472 retained).
Molecular consequence: synonymous variant.
Genome position (GRCh38, 1-based): chr17:80,110,034, C>T. VCF-style: chr17-80110034-C-T. GRCh37 (hg19) VCF-style: chr17-78083833-C-T.
Other names: c.1416C>T (LRG_673t1); c.1416C>T, p.Thr472= (NM_001079803.3, NM_001079804.3).
Identifiers: ClinVar variation 456376 (VCV000456376.61), dbSNP rs368492669, ClinGen allele CA8815312.

ClinVar aggregate classification (germline): Conflicting classifications of pathogenicity. Review status: criteria provided, conflicting classifications (1 of 4 stars). 7 submissions from 7 submitters: Uncertain significance (1); Likely benign (5). 1 of the submissions does not count toward it. Last evaluated 2025-12-24.

Conditions:
Glycogen storage disease, type II (IOPD). Also called: Glucosidase acid-1,4-alpha deficiency; Pompe Disease; POMPE DISEASE, INFANTILE-ONSET; GLYCOGEN STORAGE DISEASE II, INFANTILE-ONSET; ACID ALPHA-GLUCOSIDASE DEFICIENCY, INFANTILE-ONSET; GAA DEFICIENCY, INFANTILE-ONSET. Identifiers: Orphanet 365, MedGen C0017921, MONDO:0009290, OMIM 232300.

Allele frequency attached by ClinVar (database versions not stated): ExAC 0.00003; gnomAD exomes 0.00003; gnomAD 0.00004; TOPMed 0.00007; ESP Exome Variant Server 0.00015; 1000 Genomes Project 30x 0.00016; 1000 Genomes Project 0.00020.
gnomAD v4.1: 78 of 1,613,124 alleles (0.0048%); highest among the groups gnomAD compares: Middle Eastern, 0.016%; no homozygotes.

Submissions (7):

Labcorp Genetics (formerly Invitae), Labcorp
Classification: Likely benign for Glycogen storage disease, type II. Last evaluated: 2025-12-24. Review status: criteria provided, single submitter. Criteria: Invitae Variant Classification Sherloc (09022015). Collection method: clinical testing. Allele origin: germline.

Mayo Clinic Laboratories, Mayo Clinic
Classification: Likely benign. Last evaluated: 2025-07-30. Review status: criteria provided, single submitter. Criteria: ACMG Guidelines, 2015. Collection method: clinical testing. Allele origin: germline. Observed: 1 variant allele.
Comment: BP4, BP7

Genome-Nilou Lab
Classification: Likely benign for Glycogen storage disease, type II. Last evaluated: 2021-07-22. Review status: criteria provided, single submitter. Criteria: ACMG Guidelines, 2015. Collection method: clinical testing. Allele origin: germline. Affected: no.

Broad Center for Mendelian Genomics, Broad Institute of MIT and Harvard
Classification: Likely benign for Glycogen storage disease, type II. Last evaluated: 2020-01-22. Review status: criteria provided, single submitter. Criteria: ACMG Guidelines, 2015. Collection method: curation. Allele origin: germline. Inheritance: Autosomal recessive inheritance.
Comment: The c.1416C>T (p.Thr472=) variant in GAA has not been previously reported in individuals with Glycogen Storage Disease II but has been reported as a VUS by EGL Genetic Diagnostics and a likely benign variant by Invitae and GeneDx in ClinVar (Variation ID: 456376). This variant has been identified in 0.008% (2/24284) of African chromosomes and 0.005% (6/127366) of European (non-Finnish) chromosomes by the Genome Aggregation Database (gnomAD; dbSNP rs368492669). Although this variant has been seen in the general population, its frequency is low enough to be consistent with a recessive carrier frequency. Computational prediction tools and conservation analyses suggest that this variant may not impact the protein, though this information is not predictive enough to rule out pathogenicity. However, novel synonymous variants supported by computational evidence without raised suspicion for an impact are likely benign (Richards 2015). In summary, although additional studies are required to fully establish its clinical significance, this variant is likely benign. ACMG/AMP Criteria applied: PM2, BP4, BP7 (Richards 2015).

GeneDx
Classification: Likely benign. Last evaluated: 2019-02-28. Review status: criteria provided, single submitter. Criteria: GeneDx Variant Classification Process June 2021. Collection method: clinical testing. Allele origin: germline. Affected: yes.

Eurofins Ntd Llc (ga)
Classification: Uncertain significance. Last evaluated: 2017-05-04. Review status: criteria provided, single submitter. Criteria: EGL Classification Definitions 2015. Collection method: clinical testing. Allele origin: germline. Observed: 1 variant allele, 1 heterozygote.

Natera, Inc.
Classification: Likely benign for Glycogen storage disease type II. Last evaluated: 2020-06-18. Review status: no assertion criteria provided. Collection method: clinical testing. Allele origin: germline. Not counted in ClinVar's aggregate classification.